The following is an entry in ClinVar:

NM_001082486.2(ACD):c.-8C>G

Gene: ACD (ACD shelterin complex subunit and telomerase recruitment factor; minus strand). Cytogenetic location: 16q22.1.
Variant type: single nucleotide variant.
Coding change: c.-8C>G on transcript NM_001082486.2 (MANE Select); 8 bases upstream of the start codon, C replaced by G.
Molecular consequence: 5 prime UTR variant.
Genome position (GRCh38, 1-based): chr16:67,660,228, G>C on the plus strand (C>G on the coding strand, the complement: ACD is on the minus strand). VCF-style: chr16-67660228-G-C. GRCh37 (hg19) VCF-style: chr16-67694131-G-C.
Other names: c.-8C>G (NM_022914.3).
Identifiers: ClinVar variation 1384755 (VCV001384755.11), dbSNP rs766360608, ClinGen allele CA8114850.

ClinVar aggregate classification (germline): Uncertain significance. Review status: criteria provided, multiple submitters, no conflicts (2 of 4 stars). 2 submissions from 2 submitters: Uncertain significance (2). Last evaluated 2024-04-05.

Conditions:
Dyskeratosis congenita, autosomal dominant 6 (DKCA6). Identifiers: Orphanet 3322, MedGen C4225284, MONDO:0014690, OMIM 616553.
Inborn genetic diseases. Identifiers: MedGen C0950123, MeSH D030342.

Allele frequency attached by ClinVar (database versions not stated): gnomAD exomes below 0.00001; ExAC 0.00001.

Submissions (2):

Ambry Genetics
Classification: Uncertain significance for Inborn genetic diseases. Last evaluated: 2024-04-05. Review status: criteria provided, single submitter. Criteria: Ambry Variant Classification Scheme 2023. Collection method: clinical testing. Allele origin: germline.
Comment: The p.A84G variant (also known as c.251C>G), located in coding exon 1 of the ACD gene, results from a C to G substitution at nucleotide position 251. The alanine at codon 84 is replaced by glycine, an amino acid with similar properties. This amino acid position is conserved. In addition, this alteration is predicted to be tolerated by in silico analysis. Since supporting evidence is limited at this time, the clinical significance of this alteration remains unclear.

Labcorp Genetics (formerly Invitae), Labcorp
Classification: Uncertain significance for Dyskeratosis congenita, autosomal dominant 6. Last evaluated: 2022-08-09. Review status: criteria provided, single submitter. Criteria: Invitae Variant Classification Sherloc (09022015). Collection method: clinical testing. Allele origin: germline.
Comment: ClinVar contains an entry for this variant (Variation ID: 1384755). In summary, the available evidence is currently insufficient to determine the role of this variant in disease. Therefore, it has been classified as a Variant of Uncertain Significance. Algorithms developed to predict the effect of missense changes on protein structure and function output the following: SIFT: "Deleterious"; PolyPhen-2: "Benign"; Align-GVGD: "Class C0". The glycine amino acid residue is found in multiple mammalian species, which suggests that this missense change does not adversely affect protein function. This variant has not been reported in the literature in individuals affected with ACD-related conditions. This variant is present in population databases (rs766360608, gnomAD 0.003%). This sequence change replaces alanine, which is neutral and non-polar, with glycine, which is neutral and non-polar, at codon 84 of the ACD protein (p.Ala84Gly).